The following is an entry in ClinVar:

NM_001371986.1(UNC80):c.4511G>T (p.Ser1504Ile)

Gene: UNC80 (unc-80 subunit of NALCN channel complex; plus strand). Cytogenetic location: 2q34.
Variant type: single nucleotide variant.
Coding change: c.4511G>T on transcript NM_001371986.1 (MANE Select); coding-DNA position 4511, G replaced by T.
Protein change: p.Ser1504Ile; replaces serine 1504 with isoleucine.
Molecular consequence: missense variant.
Genome position (GRCh38, 1-based): chr2:209,896,343, G>T. VCF-style: chr2-209896343-G-T. GRCh37 (hg19) VCF-style: chr2-210761067-G-T.
Other names: c.4313G>T, p.Ser1438Ile (NM_032504.2); c.4298G>T, p.Ser1433Ile (NM_182587.4); short protein forms S1433I, S1438I, S1504I.
Identifiers: ClinVar variation 1521837 (VCV001521837.6), dbSNP rs1245043035, ClinGen allele CA350751924.
Genomic context (GRCh38, chr2:209,896,343, plus strand): 5'-GAAACCTTTCTTGGTATTTTTCTTTTGAAGAAGGGAGTCCTTGGAGTGCAAGCGAGCCCA[G>T]CATTGAGCCAGAGGGAATGAGTAATGCCGGCGCGGAGGAGAATTACCACAGAAACATGTC-3'
Protein context (NP_001358915.1, residues 1494-1514): EGSPWSASEP[Ser1504Ile]IEPEGMSNAG

ClinVar aggregate classification (germline): Uncertain significance (1 of 4 stars; one submission).

Allele frequency attached by ClinVar (database versions not stated): TOPMed below 0.00001.

Submission:

Labcorp Genetics (formerly Invitae), Labcorp
Classification: Uncertain significance. Last evaluated: 2022-11-29. Review status: criteria provided, single submitter. Criteria: Invitae Variant Classification Sherloc (09022015). Collection method: clinical testing. Allele origin: germline.
Comment: This variant is not present in population databases (gnomAD no frequency). This sequence change replaces serine, which is neutral and polar, with isoleucine, which is neutral and non-polar, at codon 1438 of the UNC80 protein (p.Ser1438Ile). This variant has not been reported in the literature in individuals affected with UNC80-related conditions. In summary, the available evidence is currently insufficient to determine the role of this variant in disease. Therefore, it has been classified as a Variant of Uncertain Significance. Advanced modeling of protein sequence and biophysical properties (such as structural, functional, and spatial information, amino acid conservation, physicochemical variation, residue mobility, and thermodynamic stability) performed at Invitae indicates that this missense variant is not expected to disrupt UNC80 protein function. ClinVar contains an entry for this variant (Variation ID: 1521837).